The following is an entry in ClinVar:

NM_001111.5(ADAR):c.3499A>C (p.Lys1167Gln)

Gene: ADAR (adenosine deaminase RNA specific; minus strand). Cytogenetic location: 1q21.3.
Variant type: single nucleotide variant.
Coding change: c.3499A>C on transcript NM_001111.5 (MANE Select); coding-DNA position 3499, A replaced by C.
Protein change: p.Lys1167Gln; replaces lysine 1167 with glutamine.
Molecular consequence: missense variant.
Genome position (GRCh38, 1-based): chr1:154,584,988, T>G on the plus strand (A>C on the coding strand, the complement: ADAR is on the minus strand). VCF-style: chr1-154584988-T-G. GRCh37 (hg19) VCF-style: chr1-154557464-T-G.
Other names: c.3499A>C, p.Lys1167Gln (LRG_1212t1); c.2614A>C, p.Lys872Gln (NM_001025107.3, NM_001193495.2, NM_001365046.1 and 2 more transcripts); c.3526A>C, p.Lys1176Gln (NM_001365045.1); c.2536A>C, p.Lys846Gln (NM_001365049.1); c.3421A>C, p.Lys1141Gln (NM_015840.4); c.3364A>C, p.Lys1122Gln (NM_015841.4); short protein forms K1141Q, K1176Q, K846Q, K1122Q, K872Q, K1167Q.
Identifiers: ClinVar variation 640434 (VCV000640434.13), dbSNP rs1571045177, ClinGen allele CA342634825.

ClinVar aggregate classification (germline): Uncertain significance. Review status: criteria provided, multiple submitters, no conflicts (2 of 4 stars). 4 submissions from 4 submitters: Uncertain significance (4). Last evaluated 2026-05-13.

Conditions:
Inborn genetic diseases. Identifiers: MedGen C0950123, MeSH D030342.
Aicardi-Goutieres syndrome 6 (AGS6). Identifiers: Orphanet 51, MedGen C3539013, MONDO:0014007, OMIM 615010.
Symmetrical dyschromatosis of extremities (DSH). Also called: DYSCHROMATOSIS SYMMETRICA HEREDITARIA 1; RETICULATE ACROPIGMENTATION OF DOHI; SYMMETRIC DYSCHROMATOSIS OF THE EXTREMITIES; Dyschromatosis symmetrica hereditaria. Identifiers: Orphanet 41, MedGen C0406775, MONDO:0007483, OMIM 127400.

Allele frequency attached by ClinVar (database versions not stated): TOPMed 0.00001; gnomAD exomes 0.00003.
gnomAD v4.1: 44 of 1,614,108 alleles (0.0027%); highest among the groups gnomAD compares: Non-Finnish European, 0.0037%; no homozygotes.

Submissions (4):

Ambry Genetics
Classification: Uncertain significance for Inborn genetic diseases. Last evaluated: 2026-05-13. Review status: criteria provided, single submitter. Criteria: Ambry Variant Classification Scheme 2023. Collection method: clinical testing. Allele origin: germline.

Labcorp Genetics (formerly Invitae), Labcorp
Classification: Uncertain significance for Aicardi-Goutieres syndrome 6; Symmetrical dyschromatosis of extremities. Last evaluated: 2024-02-14. Review status: criteria provided, single submitter. Criteria: Invitae Variant Classification Sherloc (09022015). Collection method: clinical testing. Allele origin: germline.
Comment: This sequence change replaces lysine, which is basic and polar, with glutamine, which is neutral and polar, at codon 1167 of the ADAR protein (p.Lys1167Gln). This variant is not present in population databases (gnomAD no frequency). This variant has not been reported in the literature in individuals affected with ADAR-related conditions. ClinVar contains an entry for this variant (Variation ID: 640434). Advanced modeling of protein sequence and biophysical properties (such as structural, functional, and spatial information, amino acid conservation, physicochemical variation, residue mobility, and thermodynamic stability) performed at Invitae indicates that this missense variant is not expected to disrupt ADAR protein function with a negative predictive value of 80%. In summary, the available evidence is currently insufficient to determine the role of this variant in disease. Therefore, it has been classified as a Variant of Uncertain Significance.

Genome-Nilou Lab
Classification: Uncertain significance for Aicardi-Goutieres syndrome 6. Last evaluated: 2023-04-11. Review status: criteria provided, single submitter. Criteria: ACMG Guidelines, 2015. Collection method: clinical testing. Allele origin: germline. Affected: no.

Illumina Laboratory Services, Illumina
Classification: Uncertain significance for Symmetrical dyschromatosis of extremities. Last evaluated: 2018-01-12. Review status: criteria provided, single submitter. Criteria: ICSL Variant Classification Criteria 13 December 2019. Collection method: clinical testing. Allele origin: germline.